The following is an entry in ClinVar:

NM_000285.4(PEPD):c.86G>A (p.Arg29His)

Gene: PEPD (peptidase D; minus strand). Cytogenetic location: 19q13.11.
Variant type: single nucleotide variant.
Coding change: c.86G>A on transcript NM_000285.4 (MANE Select); coding-DNA position 86, G replaced by A.
Protein change: p.Arg29His; replaces arginine 29 with histidine.
Molecular consequence: missense variant.
Genome position (GRCh38, 1-based): chr19:33,512,708, C>T on the plus strand (G>A on the coding strand, the complement: PEPD is on the minus strand). VCF-style: chr19-33512708-C-T. GRCh37 (hg19) VCF-style: chr19-34003614-C-T.
Other names: c.86G>A, p.Arg29His (NM_001166056.2, NM_001166057.2); short protein forms R29H.
Identifiers: ClinVar variation 1991700 (VCV001991700.1), dbSNP rs778981204, ClinGen allele CA9364498.

ClinVar aggregate classification (germline): Uncertain significance (1 of 4 stars; one submission).

Allele frequency attached by ClinVar (database versions not stated): ExAC 0.00003.

Submission:

Labcorp Genetics (formerly Invitae), Labcorp
Classification: Uncertain significance. Last evaluated: 2022-05-08. Review status: criteria provided, single submitter. Criteria: Invitae Variant Classification Sherloc (09022015). Collection method: clinical testing. Allele origin: germline.
Comment: This sequence change replaces arginine, which is basic and polar, with histidine, which is basic and polar, at codon 29 of the PEPD protein (p.Arg29His). This variant is present in population databases (rs778981204, gnomAD 0.01%). This variant has not been reported in the literature in individuals affected with PEPD-related conditions. Algorithms developed to predict the effect of missense changes on protein structure and function are either unavailable or do not agree on the potential impact of this missense change (SIFT: "Deleterious"; PolyPhen-2: "Possibly Damaging"; Align-GVGD: "Class C0"). In summary, the available evidence is currently insufficient to determine the role of this variant in disease. Therefore, it has been classified as a Variant of Uncertain Significance.